The following is an entry in ClinVar:

NM_000540.3(RYR1):c.10455+6C>T

Gene: RYR1 (ryanodine receptor 1; plus strand). Cytogenetic location: 19q13.2.
Variant type: single nucleotide variant.
Coding change: c.10455+6C>T on transcript NM_000540.3 (MANE Select); 6 bases into the intron after coding-DNA position 10455, C replaced by T.
Molecular consequence: intron variant.
Genome position (GRCh38, 1-based): chr19:38,523,935, C>T. VCF-style: chr19-38523935-C-T. GRCh37 (hg19) VCF-style: chr19-39014575-C-T.
Other names: c.10440+626C>T (NM_001042723.2).
Identifiers: ClinVar variation 2629907 (VCV002629907.1), dbSNP rs2514468375, ClinGen allele CA2695198200.

ClinVar aggregate classification (germline): Uncertain significance (1 of 4 stars; one submission).

Conditions:
RYR1-related disorder. Also called: RYR1-related condition; RYR1-related disorders. Identifiers: MedGen CN239331.

Submission:

PreventionGenetics, part of Exact Sciences
Classification: Uncertain significance for RYR1-related condition. Last evaluated: 2022-12-12. Review status: criteria provided, single submitter. Criteria: ACMG Guidelines, 2015. Collection method: clinical testing. Allele origin: germline.
Comment: The RYR1 c.10455+6C>T variant is predicted to interfere with splicing. This variant is not predicted to significantly alter the splice donor signal, but does create an alternative GT dinucleotide sequence. To our knowledge, this variant has not been reported in the literature or in a large population database, indicating this variant is rare. Although we suspect that this variant may be benign, at this time, the clinical significance of this variant is uncertain due to the absence of conclusive functional and genetic evidence.